The following is an entry in ClinVar:

NM_001184.4(ATR):c.4487G>T (p.Gly1496Val)

Gene: ATR (ATR checkpoint kinase; minus strand). Cytogenetic location: 3q23.
Variant type: single nucleotide variant.
Coding change: c.4487G>T on transcript NM_001184.4 (MANE Select); coding-DNA position 4487, G replaced by T.
Protein change: p.Gly1496Val; replaces glycine 1496 with valine.
Molecular consequence: missense variant.
Genome position (GRCh38, 1-based): chr3:142,515,411, C>A on the plus strand (G>T on the coding strand, the complement: ATR is on the minus strand). VCF-style: chr3-142515411-C-A. GRCh37 (hg19) VCF-style: chr3-142234253-C-A.
Other names: c.4295G>T, p.Gly1432Val (NM_001354579.2); short protein forms G1496V, G1432V.
Identifiers: ClinVar variation 1740932 (VCV001740932.2), dbSNP rs752092339, ClinGen allele CA2649841.
Genomic context (GRCh38, chr3:142,515,411, plus strand): 5'-TTTAGAATTTCCATTCAGTTAACAAACTGAACAGGGTTTCTTACCTTTGTAATAAGATAA[C>A]CTGCCCAAGATGCTGACCATTCTGCAAAGTTACTACCCAATTTACTTAAGTAAATTGGCT-3'
Protein context (NP_001175.2, residues 1486-1506): NFAEWSASWA[Gly1496Val]YLITKVRHDL

ClinVar aggregate classification (germline): Uncertain significance (1 of 4 stars; one submission).

Conditions:
Inborn genetic diseases. Identifiers: MedGen C0950123, MeSH D030342.

Allele frequency attached by ClinVar (database versions not stated): ExAC 0.00001.
gnomAD v4.1: 1 of 1,613,844 alleles (0.000062%); highest among the groups gnomAD compares: South Asian, 0.0011%; no homozygotes.

Submission:

Ambry Genetics
Classification: Uncertain significance for Inborn genetic diseases. Last evaluated: 2022-05-24. Review status: criteria provided, single submitter. Criteria: Ambry Variant Classification Scheme 2023. Collection method: clinical testing. Allele origin: germline.
Comment: The p.G1496V variant (also known as c.4487G>T), located in coding exon 25 of the ATR gene, results from a G to T substitution at nucleotide position 4487. The glycine at codon 1496 is replaced by valine, an amino acid with dissimilar properties. This amino acid position is conserved. In addition, the in silico prediction for this alteration is inconclusive. Since supporting evidence is limited at this time, the clinical significance of this alteration remains unclear.